The following is an entry in ClinVar:

ClinVar aggregate classification (germline): Pathogenic/Likely pathogenic. Review status: criteria provided, multiple submitters, no conflicts (2 of 4 stars). 7 submissions from 7 submitters: Pathogenic (2); Likely pathogenic (4). 1 of the submissions does not count toward it. Last evaluated 2025-05-02.

Conditions:
Cardiovascular phenotype. Identifiers: MedGen CN230736.
Hypertelorism. Identifiers: MedGen C0020534, OMIM 145400, HP:0000316.
Short stature. Identifiers: MedGen C0349588, HP:0004322.
Pedal edema. Also called: Edema of the lower limbs. Identifiers: MedGen C0239340, HP:0010741.
Downslanted palpebral fissures. Identifiers: MedGen C0423110, HP:0000494.
Noonan syndrome 8 (NS8). Identifiers: Orphanet 648, MedGen C3809233, MONDO:0014143, OMIM 615355.

Submissions (7):

GeneDx
Classification: Likely pathogenic. Last evaluated: 2025-05-02. Review status: criteria provided, single submitter. Criteria: GeneDx Variant Classification Process June 2021. Collection method: clinical testing. Allele origin: germline. Affected: yes.
Comment: Not observed at significant frequency in large population cohorts (gnomAD); In silico analysis supports that this missense variant has a deleterious effect on protein structure/function; This variant is associated with the following publications: (PMID: 26518681, 36647814, 39897954, 28554332)

Labcorp Genetics (formerly Invitae), Labcorp
Classification: Pathogenic for Noonan syndrome 8. Last evaluated: 2024-10-27. Review status: criteria provided, single submitter. Criteria: Invitae Variant Classification Sherloc (09022015). Collection method: clinical testing. Allele origin: germline.
Comment: This sequence change replaces lysine, which is basic and polar, with glutamine, which is neutral and polar, at codon 23 of the RIT1 protein (p.Lys23Gln). This variant is not present in population databases (gnomAD no frequency). This missense change has been observed in individuals with clinical features of Noonan syndrome (PMID: 28554332; internal data). It has also been observed to segregate with disease in related individuals. ClinVar contains an entry for this variant (Variation ID: 224122). Invitae Evidence Modeling of protein sequence and biophysical properties (such as structural, functional, and spatial information, amino acid conservation, physicochemical variation, residue mobility, and thermodynamic stability) indicates that this missense variant is expected to disrupt RIT1 protein function with a positive predictive value of 95%. This variant disrupts the p.Lys23 amino acid residue in RIT1. Other variant(s) that disrupt this residue have been determined to be pathogenic (PMID: 26518681, 27101134, 29734338; internal data). This suggests that this residue is clinically significant, and that variants that disrupt this residue are likely to be disease-causing. For these reasons, this variant has been classified as Pathogenic.

Ambry Genetics
Classification: Likely pathogenic for Cardiovascular phenotype. Last evaluated: 2023-08-09. Review status: criteria provided, single submitter. Criteria: Ambry Variant Classification Scheme 2023. Collection method: clinical testing. Allele origin: germline.
Comment: The p.K23Q variant (also known as c.67A>C), located in coding exon 1 of the RIT1 gene, results from an A to C substitution at nucleotide position 67. The lysine at codon 23 is replaced by glutamine, an amino acid with similar properties. This variant has been detected in individuals with features consistent with Noonan syndrome, including a de novo occurrence (Bowling KM et al. Genome Med, 2017 May;9:43; external communication). This variant is considered to be rare based on population cohorts in the Genome Aggregation Database (gnomAD). This amino acid position is highly conserved in available vertebrate species. In addition, the in silico prediction for this alteration is inconclusive. Based on the majority of available evidence to date, this variant is likely to be pathogenic.

Department of Human Genetics, Hannover Medical School
Classification: Likely pathogenic for Noonan syndrome 8. Last evaluated: 2023-04-13. Review status: criteria provided, single submitter. Criteria: ACMG Guidelines, 2015. Collection method: clinical testing. Allele origin: germline. Inheritance: Autosomal dominant inheritance. Affected: yes.

Centre for Mendelian Genomics, University Medical Centre Ljubljana
Classification: Likely pathogenic for Downslanted palpebral fissures; Pedal edema; Hypertelorism; Short stature. Last evaluated: 2017-01-01. Review status: criteria provided, single submitter. Criteria: ACMG Guidelines, 2015. Collection method: clinical testing. Allele origin: unknown. Affected: yes.

HudsonAlpha Institute for Biotechnology
Classification: Pathogenic for Noonan syndrome 8. Last evaluated: 2015-06-09. Review status: criteria provided, single submitter. Criteria: HA_assertions_20161101. Collection method: research. Allele origin: de novo. Affected: yes. Observed: 1 variant allele. Study: CSER-HudsonAlpha.

Laboratory for Molecular Medicine, Mass General Brigham Personalized Medicine
Classification: Uncertain significance. Last evaluated: 2016-11-15. Review status: flagged submission. Criteria: LMM Criteria. Collection method: clinical testing. Allele origin: germline. Observed: 1 variant allele. Not counted in ClinVar's aggregate classification.
Comment: Variant classified as Uncertain Significance - Favor Pathogenic. The p.Lys40Gln variant in RIT1 has not been previously reported in individuals with clinical fe atures of a RASopathy and is absent from large population studies. However, anot her variant at the same position (p.Lys40Asn; reported as p.Lys23Asn on NM_00691 2.5) was identified as a de novo variant in 1 individual with Noonan syndrome (N emcikova 2015), suggesting changes at this position are not tolerated. Computati onal prediction tools and conservation analysis suggest that the p.Lys40Gln vari ant may impact the protein, though this information is not predictive enough to determine pathogenicity. In summary, while there is some suspicion for a pathoge nic role, the clinical significance of the p.Lys40Gln variant is uncertain.
ClinVar note: Reason: Outlier claim with insufficient supporting evidence

Literature cited by the submitters: PubMed 28554332 (cited by Labcorp Genetics (formerly Invitae), Labcorp and Ambry Genetics); PubMed 26518681 (cited by Labcorp Genetics (formerly Invitae), Labcorp and Laboratory for Molecular Medicine, Mass General Brigham Personalized Medicine); PubMed 27101134 (cited by Labcorp Genetics (formerly Invitae), Labcorp); PubMed 29734338 (cited by Labcorp Genetics (formerly Invitae), Labcorp).

NM_006912.6(RIT1):c.67A>C (p.Lys23Gln)

Gene: RIT1 (Ras like without CAAX 1; minus strand). Cytogenetic location: 1q22.
Variant type: single nucleotide variant.
Coding change: c.67A>C on transcript NM_006912.6 (MANE Select); coding-DNA position 67, A replaced by C.
Protein change: p.Lys23Gln; replaces lysine 23 with glutamine.
Molecular consequence: missense variant. On other transcripts: intron variant (1).
Genome position (GRCh38, 1-based): chr1:155,910,695, T>G on the plus strand (A>C on the coding strand, the complement: RIT1 is on the minus strand). VCF-style: chr1-155910695-T-G. GRCh37 (hg19) VCF-style: chr1-155880486-T-G.
Other names: c.118A>C, p.Lys40Gln (NM_001256821.2); c.-2-189A>C (NM_001256820.2); c.67A>C (NM_006912.4); short protein forms K23Q, K40Q.
Identifiers: ClinVar variation 224122 (VCV000224122.22), dbSNP rs869312687, ClinGen allele CA353413.